The following is an entry in ClinVar:

ClinVar aggregate classification (germline): Likely benign (1 of 4 stars; one submission).

gnomAD v4.1: 138 of 1,613,426 alleles (0.0086%); highest among the groups gnomAD compares: Non-Finnish European, 0.011%; no homozygotes.

Submission:

CeGaT Center for Human Genetics Tuebingen
Classification: Likely benign. Last evaluated: 2026-04-01. Review status: criteria provided, single submitter. Criteria: CeGaT Center For Human Genetics Tuebingen Variant Classification Criteria Version 2. Collection method: clinical testing. Allele origin: germline. Affected: yes. Observed: 1 variant allele.
Comment: ATP8A2: BP4, BP7

NM_016529.6(ATP8A2):c.2283C>T (p.Ala761=)

Gene: ATP8A2 (ATPase phospholipid transporting 8A2). Cytogenetic location: 13q12.13.
Variant type: single nucleotide variant.
Coding change: c.2283C>T on transcript NM_016529.6 (MANE Select); coding-DNA position 2283, C replaced by T.
Protein change: p.Ala761=; no amino-acid change (alanine 761 retained).
Molecular consequence: synonymous variant.
Genome position (GRCh38, 1-based): chr13:25,699,244, C>T. VCF-style: chr13-25699244-C-T. GRCh37 (hg19) VCF-style: chr13-26273382-C-T.
Other names: c.2163C>T, p.Ala721= (NM_001313741.1); c.2283C>T, p.Ala761= (NM_001411005.1, NM_001411006.1).
Identifiers: ClinVar variation 4873642 (VCV004873642.2).
Genomic context (GRCh38, chr13:25,699,244, plus strand): 5'-AGCCATTACTCAGCACTGCACTGACCTTGGGAATTTGCTGGGCAAGGAAAATGACGTGGC[C>T]CTGATCATCGATGGCCACACCCTGAAGTACGCGCTCTCCTTCGAAGTCCGGAGGAGTTTC-3'
Protein context (NP_057613.4, residues 751-771): GNLLGKENDV[Ala761=]LIIDGHTLKY